The following is an entry in ClinVar:

NM_000051.4(ATM):c.8555A>C (p.Tyr2852Ser)

Genes: ATM (ATM serine/threonine kinase; plus strand), C11orf65 (chromosome 11 open reading frame 65; minus strand). Cytogenetic location: 11q22.3.
Variant type: single nucleotide variant.
Coding change: c.8555A>C on transcript NM_000051.4 (MANE Select); coding-DNA position 8555, A replaced by C.
Protein change: p.Tyr2852Ser; replaces tyrosine 2852 with serine.
Molecular consequence: missense variant. On other transcripts: intron variant (2).
Genome position (GRCh38, 1-based): chr11:108,345,879, A>C. VCF-style: chr11-108345879-A-C. GRCh37 (hg19) VCF-style: chr11-108216606-A-C.
Other names: c.8555A>C, p.Tyr2852Ser (NM_001351834.2); c.641-36808T>G (NM_001330368.2); c.695-10587T>G (NM_001351110.2); short protein forms Y2852S.
Identifiers: ClinVar variation 3671449 (VCV003671449.2).

ClinVar aggregate classification (germline): Uncertain significance (1 of 4 stars; one submission).

Conditions:
Ataxia-telangiectasia syndrome (AT). Also called: Ataxia-telangiectasia, complementation group D; AT, COMPLEMENTATION GROUP C; ATAXIA-TELANGIECTASIA, COMPLEMENTATION GROUP A; ATAXIA-TELANGIECTASIA, FRESNO VARIANT; Ataxia-telangiectasia; Ataxia-telangiectasia, complementation group E. Identifiers: Orphanet 100, MedGen C0004135, MONDO:0008840, OMIM 208900.

gnomAD v4.1: 1 of 1,613,854 alleles (0.000062%); highest among the groups gnomAD compares: Non-Finnish European, 0.000085%; no homozygotes.

Submission:

Labcorp Genetics (formerly Invitae), Labcorp
Classification: Uncertain significance for Ataxia-telangiectasia syndrome. Last evaluated: 2024-04-10. Review status: criteria provided, single submitter. Criteria: Invitae Variant Classification Sherloc (09022015). Collection method: clinical testing. Allele origin: germline.
Comment: This sequence change replaces tyrosine, which is neutral and polar, with serine, which is neutral and polar, at codon 2852 of the ATM protein (p.Tyr2852Ser). This variant is not present in population databases (gnomAD no frequency). This variant has not been reported in the literature in individuals affected with ATM-related conditions. An algorithm developed to predict the effect of missense changes on protein structure and function (PolyPhen-2) suggests that this variant is likely to be disruptive. In summary, the available evidence is currently insufficient to determine the role of this variant in disease. Therefore, it has been classified as a Variant of Uncertain Significance.